The following is an entry in ClinVar:

ClinVar aggregate classification (germline): Conflicting classifications of pathogenicity. Review status: criteria provided, conflicting classifications (1 of 4 stars). 4 submissions from 4 submitters: Uncertain significance (1); Likely benign (3). Last evaluated 2026-09-21.

Conditions:
Distal myopathy with posterior leg and anterior hand involvement. Also called: WILLIAMS DISTAL MYOPATHY. Identifiers: Orphanet 63273, MedGen C3279722, MONDO:0013550, OMIM 614065.
Hypertrophic cardiomyopathy 26. Also called: Cardiomyopathy, familial hypertrophic, 26. Identifiers: Orphanet 75249, MedGen C4310749, MONDO:0014883, OMIM 617047.
Myofibrillar myopathy 5. Also called: Filaminopathy (type); FILAMINOPATHY, AUTOSOMAL DOMINANT. Identifiers: Orphanet 171445, MedGen C1836050, MONDO:0012289, OMIM 609524.
Cardiovascular phenotype. Identifiers: MedGen CN230736.

Allele frequency attached by ClinVar (database versions not stated): gnomAD exomes 0.00001; TOPMed 0.00001.
gnomAD v4.1: 5 of 1,613,894 alleles (0.00031%); highest among the groups gnomAD compares: Non-Finnish European, 0.00042%; no homozygotes.

Submissions (4):

Molecular Diagnostic Laboratory for Inherited Cardiovascular Disease, Montreal Heart Institute
Classification: Likely benign. Last evaluated: 2026-09-21. Review status: criteria provided, single submitter. Criteria: ACMG Guidelines, 2015. Collection method: clinical testing. Allele origin: germline. Affected: no.
Comment: BP7

Ambry Genetics
Classification: Likely benign for Cardiovascular phenotype. Last evaluated: 2026-04-27. Review status: criteria provided, single submitter. Criteria: Ambry Variant Classification Scheme 2023. Collection method: clinical testing. Allele origin: germline.

Labcorp Genetics (formerly Invitae), Labcorp
Classification: Likely benign for Distal myopathy with posterior leg and anterior hand involvement; Myofibrillar myopathy 5; Hypertrophic cardiomyopathy 26. Last evaluated: 2025-11-25. Review status: criteria provided, single submitter. Criteria: Invitae Variant Classification Sherloc (09022015). Collection method: clinical testing. Allele origin: germline.

Eurofins Ntd Llc (ga)
Classification: Uncertain significance. Last evaluated: 2016-06-08. Review status: criteria provided, single submitter. Criteria: EGL Classification Definitions 2015. Collection method: clinical testing. Allele origin: germline. Observed: 1 variant allele, 1 heterozygote.

NM_001458.5(FLNC):c.6405G>A (p.Lys2135=)

Genes: FLNC (filamin C; plus strand), FLNC-AS1 (FLNC antisense RNA 1; minus strand). Cytogenetic location: 7q32.1.
Variant type: single nucleotide variant.
Coding change: c.6405G>A on transcript NM_001458.5 (MANE Select); coding-DNA position 6405, G replaced by A.
Protein change: p.Lys2135=; no amino-acid change (lysine 2135 retained).
Molecular consequence: synonymous variant.
Genome position (GRCh38, 1-based): chr7:128,853,758, G>A. VCF-style: chr7-128853758-G-A. GRCh37 (hg19) VCF-style: chr7-128493812-G-A.
Other names: c.6405G>A (NM_001458.4); c.6306G>A, p.Lys2102= (NM_001127487.2).
Identifiers: ClinVar variation 288196 (VCV000288196.15), dbSNP rs886043826, ClinGen allele CA10605999.